The following is an entry in ClinVar:

ClinVar aggregate classification (germline): Uncertain significance. Review status: criteria provided, multiple submitters, no conflicts (2 of 4 stars). 2 submissions from 2 submitters: Uncertain significance (2). Last evaluated 2024-11-20.

Conditions:
Familial focal epilepsy with variable foci (FPEVF). Identifiers: Orphanet 98820, MedGen C1858477, MONDO:0020310.

Allele frequency attached by ClinVar (database versions not stated): gnomAD exomes below 0.00001; TOPMed below 0.00001; ExAC 0.00002; gnomAD 0.00001.
gnomAD v4.1: 5 of 1,613,958 alleles (0.00031%); highest among the groups gnomAD compares: South Asian, 0.0011%; no homozygotes.

Submissions (2):

GeneDx
Classification: Uncertain significance. Last evaluated: 2024-11-20. Review status: criteria provided, single submitter. Criteria: GeneDx Variant Classification Process June 2021. Collection method: clinical testing. Allele origin: germline.
Comment: Not observed at significant frequency in large population cohorts (gnomAD); In silico analysis indicates that this missense variant does not alter protein structure/function; Has not been previously published as pathogenic or benign to our knowledge

Labcorp Genetics (formerly Invitae), Labcorp
Classification: Uncertain significance for Familial focal epilepsy with variable foci. Last evaluated: 2024-08-12. Review status: criteria provided, single submitter. Criteria: Invitae Variant Classification Sherloc (09022015). Collection method: clinical testing. Allele origin: germline.
Comment: This sequence change replaces arginine, which is basic and polar, with glutamine, which is neutral and polar, at codon 1571 of the DEPDC5 protein (p.Arg1571Gln). This variant is present in population databases (rs748114243, gnomAD 0.004%). This variant has not been reported in the literature in individuals affected with DEPDC5-related conditions. ClinVar contains an entry for this variant (Variation ID: 1368282). Experimental studies and prediction algorithms are not available or were not evaluated, and the functional significance of this variant is currently unknown. In summary, the available evidence is currently insufficient to determine the role of this variant in disease. Therefore, it has been classified as a Variant of Uncertain Significance.

NM_001242896.3(DEPDC5):c.4712G>A (p.Arg1571Gln)

Gene: DEPDC5 (DEP domain containing 5, GATOR1 subcomplex subunit; plus strand). Cytogenetic location: 22q12.3.
Variant type: single nucleotide variant.
Coding change: c.4712G>A on transcript NM_001242896.3 (MANE Select); coding-DNA position 4712, G replaced by A.
Protein change: p.Arg1571Gln; replaces arginine 1571 with glutamine.
Molecular consequence: missense variant. On other transcripts: non-coding transcript variant (5).
Genome position (GRCh38, 1-based): chr22:31,906,397, G>A. VCF-style: chr22-31906397-G-A. GRCh37 (hg19) VCF-style: chr22-32302383-G-A.
Other names: c.4712G>A (NM_001242896.1); c.4685G>A, p.Arg1562Gln (NM_001136029.4); c.4412G>A, p.Arg1471Gln (NM_001242897.2); c.4646G>A, p.Arg1549Gln (NM_001363852.2, NM_001364320.2); c.4478G>A, p.Arg1493Gln (NM_001363854.2, NM_001364319.2); c.4712G>A, p.Arg1571Gln (NM_001364318.2); c.4628G>A, p.Arg1543Gln (NM_001369901.1, NM_001369902.1); c.4619G>A, p.Arg1540Gln (NM_001369903.1, NM_014662.6); short protein forms R1571Q, R1471Q, R1540Q, R1549Q, R1493Q, R1543Q, R1562Q.
Identifiers: ClinVar variation 1368282 (VCV001368282.7), dbSNP rs748114243, ClinGen allele CA10197321.